The following is an entry in ClinVar:

ClinVar aggregate classification (germline): Uncertain significance. Review status: criteria provided, multiple submitters, no conflicts (2 of 4 stars). 3 submissions from 3 submitters: Uncertain significance (3). Last evaluated 2025-06-14.

Conditions:
AXIN2-related disorder.
Oligodontia-cancer predisposition syndrome. Also called: TOOTH AGENESIS-COLORECTAL CANCER SYNDROME. Identifiers: Orphanet 300576, MedGen C1837750, MONDO:0012075, OMIM 608615. Disease mechanism: loss of function.
Hereditary cancer-predisposing syndrome. Also called: Tumor predisposition; Hereditary neoplastic syndrome; Hereditary Cancer Syndrome; Neoplastic Syndromes, Hereditary. Identifiers: Orphanet 140162, MedGen C0027672, MeSH D009386, MONDO:0015356.

Allele frequency attached by ClinVar (database versions not stated): gnomAD exomes below 0.00001.

Submissions (3):

Ambry Genetics
Classification: Uncertain significance for Hereditary cancer-predisposing syndrome. Last evaluated: 2025-06-14. Review status: criteria provided, single submitter. Criteria: Ambry Variant Classification Scheme 2023. Collection method: clinical testing. Allele origin: germline.
Comment: The p.M780V variant (also known as c.2338A>G), located in coding exon 9 of the AXIN2 gene, results from an A to G substitution at nucleotide position 2338. The methionine at codon 780 is replaced by valine, an amino acid with highly similar properties. This amino acid position is conserved. In addition, this alteration is predicted to be tolerated by in silico analysis. Based on the available evidence, the clinical significance of this variant remains unclear.

PreventionGenetics, part of Exact Sciences
Classification: Uncertain significance for AXIN2-related condition. Last evaluated: 2023-01-26. Review status: criteria provided, single submitter. Criteria: ACMG Guidelines, 2015. Collection method: clinical testing. Allele origin: germline.
Comment: The AXIN2 c.2338A>G variant is predicted to result in the amino acid substitution p.Met780Val. To our knowledge, this variant has not been reported in the literature or in a large population database, indicating this variant is rare. It is interpreted as uncertain significance in ClinVar. At this time, the clinical significance of this variant is uncertain due to the absence of conclusive functional and genetic evidence.

Labcorp Genetics (formerly Invitae), Labcorp
Classification: Uncertain significance for Oligodontia-cancer predisposition syndrome. Last evaluated: 2022-12-13. Review status: criteria provided, single submitter. Criteria: Invitae Variant Classification Sherloc (09022015). Collection method: clinical testing. Allele origin: germline.
Comment: Advanced modeling of protein sequence and biophysical properties (such as structural, functional, and spatial information, amino acid conservation, physicochemical variation, residue mobility, and thermodynamic stability) performed at Invitae indicates that this missense variant is not expected to disrupt AXIN2 protein function. In summary, the available evidence is currently insufficient to determine the role of this variant in disease. Therefore, it has been classified as a Variant of Uncertain Significance. ClinVar contains an entry for this variant (Variation ID: 936028). This variant has not been reported in the literature in individuals affected with AXIN2-related conditions. This variant is not present in population databases (gnomAD no frequency). This sequence change replaces methionine, which is neutral and non-polar, with valine, which is neutral and non-polar, at codon 780 of the AXIN2 protein (p.Met780Val).

NM_004655.4(AXIN2):c.2338A>G (p.Met780Val)

Gene: AXIN2 (axin 2; minus strand). Cytogenetic location: 17q24.1.
Variant type: single nucleotide variant.
Coding change: c.2338A>G on transcript NM_004655.4 (MANE Select); coding-DNA position 2338, A replaced by G.
Protein change: p.Met780Val; replaces methionine 780 with valine.
Molecular consequence: missense variant.
Genome position (GRCh38, 1-based): chr17:65,533,979, T>C on the plus strand (A>G on the coding strand, the complement: AXIN2 is on the minus strand). VCF-style: chr17-65533979-T-C. GRCh37 (hg19) VCF-style: chr17-63530097-T-C.
Other names: c.2143A>G, p.Met715Val (NM_001363813.1); short protein forms M780V, M715V.
Identifiers: ClinVar variation 936028 (VCV000936028.11), dbSNP rs2043866117, ClinGen allele CA400675470.